The following is an entry in ClinVar:

NM_001079802.2(FKTN):c.105+6T>C

Gene: FKTN (fukutin; plus strand). Cytogenetic location: 9q31.2.
Variant type: single nucleotide variant.
Coding change: c.105+6T>C on transcript NM_001079802.2 (MANE Select); 6 bases into the intron after coding-DNA position 105, T replaced by C.
Molecular consequence: intron variant.
Genome position (GRCh38, 1-based): chr9:105,575,143, T>C. VCF-style: chr9-105575143-T-C. GRCh37 (hg19) VCF-style: chr9-108337424-T-C.
Other names: c.105+6T>C (NM_006731.2, NM_001351496.2, NM_001198963.2 and 1 more transcripts); c.-410+6T>C (NM_001351502.2, NM_001351499.2, NM_001351500.2 and 1 more transcripts); c.-63+6T>C (NM_001351497.2).
Identifiers: ClinVar variation 997932 (VCV000997932.1), dbSNP rs754468850, ClinGen allele CA1870261772.

ClinVar aggregate classification (germline): Uncertain significance (1 of 4 stars; one submission).

Submission:

Women's Health and Genetics/Laboratory Corporation of America, LabCorp
Classification: Uncertain significance. Last evaluated: 2021-02-01. Review status: criteria provided, single submitter. Criteria: LabCorp Variant Classification Summary - May 2015. Collection method: clinical testing. Allele origin: germline.
Comment: Variant summary: FKTN c.105+6T>C alters a non-conserved nucleotide located close to a canonical splice site and therefore could affect mRNA splicing, leading to a significantly altered protein sequence. 4/4 computational tools predict no significant impact on normal splicing. However, these predictions have yet to be confirmed by functional studies. The variant was absent in 251042 control chromosomes (gnomAD). The available data on variant occurrences in the general population are insufficient to allow any conclusion about variant significance. To our knowledge, no occurrence of c.105+6T>C in individuals affected with Dilated Cardiomyopathy and no experimental evidence demonstrating its impact on protein function have been reported. No clinical diagnostic laboratories have submitted clinical-significance assessments for this variant to ClinVar after 2014. Based on the evidence outlined above, the variant was classified as uncertain significance.